The following is an entry in ClinVar:

NM_000531.6(OTC):c.987C>G (p.Asn329Lys)

Gene: OTC (ornithine transcarbamylase; plus strand). Cytogenetic location: Xp11.4.
Variant type: single nucleotide variant.
Coding change: c.987C>G on transcript NM_000531.6 (MANE Select); coding-DNA position 987, C replaced by G.
Protein change: p.Asn329Lys; replaces asparagine 329 with lysine.
Molecular consequence: missense variant.
Genome position (GRCh38, 1-based): chrX:38,411,981, C>G. VCF-style: chrX-38411981-C-G. GRCh37 (hg19) VCF-style: chrX-38271234-C-G.
Other names: c.987C>G, p.Asn329Lys (NM_001407092.1); short protein forms N329K.
Identifiers: ClinVar variation 4850882 (VCV004850882.1).

ClinVar aggregate classification (germline): Likely pathogenic (0 of 4 stars; one submission).

Conditions:
Ornithine carbamoyltransferase deficiency (OTCD). Also called: ORNITHINE TRANSCARBAMYLASE DEFICIENCY, HYPERAMMONEMIA DUE TO; OTC DEFICIENCY; Ornithine Carbamoyltransferase Deficiency Disease; ORNITHINE TRANSCARBAMYLASE DEFICIENCY. Identifiers: Orphanet 664, MedGen C0268542, MONDO:0010703, OMIM 311250.

Submission:

Clinical Genetics Service, Universitary Hospital 12 de Octubre
Classification: Likely pathogenic for Ornithine carbamoyltransferase deficiency. Last evaluated: 2026-04-29. Review status: no assertion criteria provided. Collection method: clinical testing. Allele origin: unknown. Inheritance: X-linked inheritance. Affected: yes. Observed: 1 variant allele, 1 heterozygote.
Comment: The c.987C>G p.(Asn329Lys) variant in the OTC gene (NM_000531.6) has been classified as likely pathogenic according to ACMG guidelines, based on the following evidence: PM2 (absence from population databases), PP2 (gene with a low rate of benign missense variation and a predominance of pathogenic missense variants), PP3 (multiple computational tools supporting a deleterious effect), and PP4_Moderate (phenotype highly specific and consistent with OTC-related disease).